The following is an entry in ClinVar:

NM_013275.6(ANKRD11):c.2308A>G (p.Lys770Glu)

Gene: ANKRD11 (ankyrin repeat domain 11; minus strand). Cytogenetic location: 16q24.3.
Variant type: single nucleotide variant.
Coding change: c.2308A>G on transcript NM_013275.6 (MANE Select); coding-DNA position 2308, A replaced by G.
Protein change: p.Lys770Glu; replaces lysine 770 with glutamic acid.
Molecular consequence: missense variant.
Genome position (GRCh38, 1-based): chr16:89,284,234, T>C on the plus strand (A>G on the coding strand, the complement: ANKRD11 is on the minus strand). VCF-style: chr16-89284234-T-C. GRCh37 (hg19) VCF-style: chr16-89350642-T-C.
Other names: c.2308A>G, p.Lys770Glu (NM_001256182.2, NM_001256183.2); short protein forms K770E.
Identifiers: ClinVar variation 2783150 (VCV002783150.3), dbSNP rs2544241730, ClinGen allele CA397162715.

ClinVar aggregate classification (germline): Uncertain significance (1 of 4 stars; one submission).

Conditions:
KBG syndrome (KBGS). Also called: ANKRD11-Related KBG Syndrome. Identifiers: Orphanet 2332, MedGen C0220687, MONDO:0007846, OMIM 148050.

Allele frequency attached by ClinVar (database versions not stated): gnomAD exomes below 0.00001.
gnomAD v4.1: 1 of 1,613,308 alleles (0.000062%); highest among the groups gnomAD compares: Non-Finnish European, 0.000085%; no homozygotes.

Submission:

Labcorp Genetics (formerly Invitae), Labcorp
Classification: Uncertain significance for KBG syndrome. Last evaluated: 2024-05-15. Review status: criteria provided, single submitter. Criteria: Invitae Variant Classification Sherloc (09022015). Collection method: clinical testing. Allele origin: germline.
Comment: This sequence change replaces lysine, which is basic and polar, with glutamic acid, which is acidic and polar, at codon 770 of the ANKRD11 protein (p.Lys770Glu). This variant is not present in population databases (gnomAD no frequency). This variant has not been reported in the literature in individuals affected with ANKRD11-related conditions. Advanced modeling of protein sequence and biophysical properties (such as structural, functional, and spatial information, amino acid conservation, physicochemical variation, residue mobility, and thermodynamic stability) performed at Invitae indicates that this missense variant is not expected to disrupt ANKRD11 protein function with a negative predictive value of 95%. In summary, the available evidence is currently insufficient to determine the role of this variant in disease. Therefore, it has been classified as a Variant of Uncertain Significance.